The following is an entry in ClinVar:

ClinVar aggregate classification (germline): Pathogenic/Likely pathogenic. Review status: criteria provided, multiple submitters, no conflicts (2 of 4 stars). 10 submissions from 10 submitters: Pathogenic (7); Likely pathogenic (2). 1 of the submissions does not count toward it. Last evaluated 2026-09-07.

Conditions:
Marfan syndrome (MFS). Also called: MARFAN SYNDROME, TYPE I; FBN1-Related Marfan Syndrome; Marfan syndrome, classic; Marfan syndrome type 1; Marfan's syndrome. Identifiers: Orphanet 284963, Orphanet 558, MedGen C0024796, MONDO:0007947, OMIM 154700.
Familial thoracic aortic aneurysm and aortic dissection (TAAD). Also called: Thoracic aortic aneurysms and dissections. Identifiers: Orphanet 91387, MedGen C4707243, MONDO:0019625.
Marfan Syndrome/Loeys-Dietz Syndrome/Familial Thoracic Aortic Aneurysms and Dissections. Identifiers: MedGen CN229799.
FBN1-related disorder. Also called: FBN1-related disorders.

Allele frequency attached by ClinVar (database versions not stated): gnomAD 0.00001; TOPMed 0.00001.
gnomAD v4.1: 1 of 1,614,084 alleles (0.000062%); highest among the groups gnomAD compares: Non-Finnish European, 0.000085%; no homozygotes.

Submissions (10):

PreventionGenetics, part of Exact Sciences
Classification: Pathogenic for FBN1-related condition. Last evaluated: 2026-09-07. Review status: criteria provided, single submitter. Criteria: ACMG Guidelines, 2015. Collection method: clinical testing. Allele origin: germline.
Comment: The FBN1 c.7916A>G variant is predicted to result in the amino acid substitution p.Tyr2639Cys. This variant has been reported in individuals with Marfan syndrome (Matyas et al. 2002. PubMed ID: 11933199; Attanasio et al. 2013. PubMed ID: 23684891; Poninska et al. 2016. PubMed ID: 27146836; Table S1, Meester et al. 2022. PubMed ID: 35058154), and was demonstrated to segregate with disease in a large four-generational Dutch family (Aalberts et al. 2010. PubMed ID: 20200614). This variant has not been reported in a large population database (gnomAD), indicating this variant is rare, and it is consistently interpreted as pathogenic/likely pathogenic by multiple submitters to the ClinVar database (Variation ID: 200123). This variant creates a cysteine residue that is located within one of the calcium-binding epidermal growth factor (cbEGF)-like domains of the FBN1 protein and missense variants in FBN1 that substitute or create a cysteine residue are well-documented to cause Marfan syndrome (Stheneur et al. 2009. PubMed ID: 19293843; Drackley et al. 2024. PubMed ID: 39741318). Taken together, this variant is interpreted as pathogenic.

Labcorp Genetics (formerly Invitae), Labcorp
Classification: Pathogenic for Marfan syndrome; Familial thoracic aortic aneurysm and aortic dissection. Last evaluated: 2024-07-09. Review status: criteria provided, single submitter. Criteria: Invitae Variant Classification Sherloc (09022015). Collection method: clinical testing. Allele origin: germline.
Comment: This sequence change replaces tyrosine, which is neutral and polar, with cysteine, which is neutral and slightly polar, at codon 2639 of the FBN1 protein (p.Tyr2639Cys). This variant is not present in population databases (gnomAD no frequency). This missense change has been observed in individuals with Marfan syndrome or thoracic aortic aneurysm and dissection (PMID: 20200614, 27146836). It has also been observed to segregate with disease in related individuals. ClinVar contains an entry for this variant (Variation ID: 200123). Advanced modeling of protein sequence and biophysical properties (such as structural, functional, and spatial information, amino acid conservation, physicochemical variation, residue mobility, and thermodynamic stability) performed at Invitae indicates that this missense variant is expected to disrupt FBN1 protein function with a positive predictive value of 80%. For these reasons, this variant has been classified as Pathogenic.

GeneDx
Classification: Pathogenic. Last evaluated: 2023-01-24. Review status: criteria provided, single submitter. Criteria: GeneDx Variant Classification Process June 2021. Collection method: clinical testing. Allele origin: germline. Affected: yes.
Comment: Has been identified in individuals with Marfan syndrome or FBN1-related disorders referred for genetic testing at GeneDx, and in published literature (Matyas et al., 2002; Voermans et al., 2009; Attanasio et al., 2013); Not observed at significant frequency in large population cohorts (gnomAD); In silico analysis supports that this missense variant has a deleterious effect on protein structure/function; Introduces a new cysteine residue within a calcium-binding EGF-like domain of the FBN1 gene, which may affect disulfide bonding and is predicted to alter the structure and function of the protein; cysteine substitutions in the calcium-binding EGF-like domains represent the majority of pathogenic missense changes associated with FBN1-related disorders (Collod-Beroud et al., 2003); This variant is associated with the following publications: (PMID: 19659760, 23684891, 11933199, 27146836, 20200614, 32123317, 21895641, 12938084)

CHEO Genetics Diagnostic Laboratory, Children's Hospital of Eastern Ontario
Classification: Pathogenic for Familial thoracic aortic aneurysm and aortic dissection. Last evaluated: 2021-11-10. Review status: criteria provided, single submitter. Criteria: ACMG Guidelines, 2015. Collection method: clinical testing. Allele origin: germline.

Mayo Clinic Laboratories, Mayo Clinic
Classification: Pathogenic. Last evaluated: 2021-09-23. Review status: criteria provided, single submitter. Criteria: ACMG Guidelines, 2015. Collection method: clinical testing. Allele origin: germline.
Comment: PP1_strong, PP2, PP3, PM1, PM2, PS4_moderate

Revvity Omics, Revvity
Classification: Likely pathogenic. Last evaluated: 2021-06-01. Review status: criteria provided, single submitter. Criteria: ACMG Guidelines, 2015. Collection method: clinical testing. Allele origin: germline.

Centre of Medical Genetics, University of Antwerp
Classification: Likely pathogenic for Marfan syndrome. Last evaluated: 2021-03-01. Review status: criteria provided, single submitter. Criteria: Submitter's publication. Collection method: research. Allele origin: unknown. Affected: yes.
Comment: PM2, PS5, PP4

Women's Health and Genetics/Laboratory Corporation of America, LabCorp
Classification: Pathogenic for Marfan Syndrome/Loeys-Dietz Syndrome/Familial Thoracic Aortic Aneurysms and Dissections. Last evaluated: 2017-08-25. Review status: criteria provided, single submitter. Criteria: LabCorp Variant Classification Summary - May 2015. Collection method: clinical testing. Allele origin: germline.
Comment: Variant summary: The FBN1 c.7916A>G (p.Tyr2639Cys) variant involves the alteration of a conserved amino acid residue located in the EGF-like calcium-binding domain (IPR001881) (InterPro). Cysteine residues are critical in stabilization of EGF-like domains in fibrillin, thus introducing a new cysteine residue is predicted to disturb disulphide bonding and affect protein stability (Aalberts 2010). 4/4 in silico tools predict a damaging outcome for this variant (SNPsandGO not captured due to low reliability index), however these have not been investigated by functional studies. This variant has been reported in multiple patients affected by the Marfan syndrome spectrum, with a strong family history of which many fulfilled the Ghent diagnostic criteria (Aalberts 2010, Poninska 2016). This variant is absent in 121400 control chromosomes. In addition, multiple clinical diagnostic laboratories/reputable databases classified this variant as pathogenic. Taken together, this variant is classified as pathogenic.

Ambry Genetics
Classification: Pathogenic for Familial thoracic aortic aneurysm and aortic dissection. Last evaluated: 2017-07-25. Review status: criteria provided, single submitter. Criteria: Ambry Variant Classification Scheme 2023. Collection method: clinical testing. Allele origin: germline.
Comment: The p.Y2639C pathogenic mutation (also known as c.7916A>G), located in coding exon 63 of the FBN1 gene, results from an A to G substitution at nucleotide position 7916. The tyrosine at codon 2639 is replaced by cysteine, an amino acid with highly dissimilar properties, and is located in a cbEGF-like domain. The majority of FBN1 mutations identified to date have involved the substitution or generation of cysteine residues within cbEGF domains (Vollbrandt T et al. J Biol Chem. 2004;279(31):32924-32931). This alteration has been reported in several individuals with a clinical diagnosis of Marfan syndrome (MFS) as well as in a number of MFS cohorts (M&aacute;ty&aacute;s G et al. Hum. Mutat. 2002;19:443-56; Voermans Nc et al. Clin. Genet. 2009;76:25-37; Aalberts JJ et al. Neth Heart J. 2010;18:85-9; Robinson DO et al. Clin. Genet. 2012;82:223-31; Attanasio M et al. Eur J Med Genet. 2013;56:356-60). In addition, this alteration segregated with disease in a large, 4-generation Dutch pedigree and in a small Polish family (Aalberts JJ et al. Neth Heart J. 2010;18:85-9; Poninska JK et al. J Transl Med. 2016;14:115). Based on the supporting evidence, this alteration is interpreted as a disease-causing mutation.

Center for Medical Genetics Ghent, University of Ghent
Classification: Likely pathogenic for Marfan syndrome. Last evaluated: 2017-11-07. Review status: no assertion criteria provided. Collection method: clinical testing. Allele origin: germline. Affected: yes. Not counted in ClinVar's aggregate classification.

Literature cited by the submitters: PubMed 20200614 (cited by 3 submitters); PubMed 27146836 (cited by 4 submitters); PubMed 11933199 (cited by 3 submitters); PubMed 19659760 (cited by Mayo Clinic Laboratories, Mayo Clinic and Ambry Genetics); PubMed 21895641 (cited by Mayo Clinic Laboratories, Mayo Clinic and Ambry Genetics); PubMed 23684891 (cited by Mayo Clinic Laboratories, Mayo Clinic and Ambry Genetics).

NM_000138.5(FBN1):c.7916A>G (p.Tyr2639Cys)

Gene: FBN1 (fibrillin 1; minus strand). Cytogenetic location: 15q21.1.
Variant type: single nucleotide variant.
Coding change: c.7916A>G on transcript NM_000138.5 (MANE Select); coding-DNA position 7916, A replaced by G.
Protein change: p.Tyr2639Cys; replaces tyrosine 2639 with cysteine.
Molecular consequence: missense variant.
Genome position (GRCh38, 1-based): chr15:48,415,671, T>C on the plus strand (A>G on the coding strand, the complement: FBN1 is on the minus strand). VCF-style: chr15-48415671-T-C. GRCh37 (hg19) VCF-style: chr15-48707868-T-C.
Other names: p.Y2639C:TAT>TGT; p.Tyr2639Cys; short protein forms Y2639C.
Identifiers: ClinVar variation 200123 (VCV000200123.72), dbSNP rs794728280, ClinGen allele CA017463.
Genomic context (GRCh38, chr15:48,415,671, plus strand): 5'-CAGGGGGCCTGCGCAGAGCCACATTCATTGATGTCTTGGCATCCTCCACTGAACTGTTCA[T>C]ACTGGAAGCCGGCGGGACACATGCACTTGTAGCTCCCCAGGGTGTTGTGACAGGAGGCTC-3'
Protein context (NP_000129.3, residues 2629-2649): YKCMCPAGFQ[Tyr2639Cys]EQFSGGCQDI